The following is an entry in ClinVar:

NM_001845.6(COL4A1):c.3693G>A (p.Thr1231=)

Gene: COL4A1 (collagen type IV alpha 1 chain; minus strand). Cytogenetic location: 13q34.
Variant type: single nucleotide variant.
Coding change: c.3693G>A on transcript NM_001845.6 (MANE Select); coding-DNA position 3693, G replaced by A.
Protein change: p.Thr1231=; no amino-acid change (threonine 1231 retained).
Molecular consequence: synonymous variant.
Genome position (GRCh38, 1-based): chr13:110,170,596, C>T on the plus strand (G>A on the coding strand, the complement: COL4A1 is on the minus strand). VCF-style: chr13-110170596-C-T. GRCh37 (hg19) VCF-style: chr13-110822943-C-T.
Other names: p.Thr1231=.
Identifiers: ClinVar variation 258252 (VCV000258252.24), dbSNP rs117738194, ClinGen allele CA7047175.

ClinVar aggregate classification (germline): Benign. Review status: criteria provided, multiple submitters, no conflicts (2 of 4 stars). 10 submissions from 9 submitters: Benign (8). 2 of the submissions do not count toward it. Last evaluated 2026-02-04.

Conditions:
Brain small vessel disease 1 with or without ocular anomalies (BSVD1). Also called: PORENCEPHALY, TYPE 1, AUTOSOMAL DOMINANT; Brain small vessel disease with or without ocular anomalies; BRAIN SMALL VESSEL DISEASE WITH HEMORRHAGE; GOULD SYNDROME 1. Identifiers: Orphanet 2940, Orphanet 36383, Orphanet 99810, MedGen C4755307, MONDO:0008289, OMIM 175780.
Autosomal dominant familial hematuria-retinal arteriolar tortuosity-contractures syndrome. Also called: Angiopathy, hereditary, with nephropathy, aneurysms, and muscle cramps; Hereditary Angiopathy with Nephropathy, Aneurysms, and Muscle Cramps (HANAC) Syndrome. Identifiers: Orphanet 73229, MedGen C2673195, MONDO:0012726, OMIM 611773.

Allele frequency attached by ClinVar (database versions not stated): ESP Exome Variant Server 0.00177; gnomAD exomes 0.00661 and 0.02214; gnomAD 0.00782 and 0.00875; TOPMed 0.01454; 1000 Genomes Project 30x 0.02264; 1000 Genomes Project 0.02356; ExAC 0.02386.
gnomAD v4.1: 11,066 of 1,610,634 alleles (0.69%); highest among the groups gnomAD compares: Admixed American, 8.5%; 445 homozygotes.

Submissions (10):

Labcorp Genetics (formerly Invitae), Labcorp
Classification: Benign. Last evaluated: 2026-02-04. Review status: criteria provided, single submitter. Criteria: Invitae Variant Classification Sherloc (09022015). Collection method: clinical testing. Allele origin: germline.

Mayo Clinic Laboratories, Mayo Clinic
Classification: Benign. Last evaluated: 2024-02-01. Review status: criteria provided, single submitter. Criteria: ACMG Guidelines, 2015. Collection method: clinical testing. Allele origin: germline. Observed: 35 variant alleles.

GeneDx
Classification: Benign. Last evaluated: 2018-07-09. Review status: criteria provided, single submitter. Criteria: GeneDx Variant Classification Process June 2021. Collection method: clinical testing. Allele origin: germline. Affected: yes.

Illumina Laboratory Services, Illumina
Classification: Benign for Brain small vessel disease 1 with or without ocular anomalies. Last evaluated: 2018-01-13. Review status: criteria provided, single submitter. Criteria: ICSL Variant Classification Criteria 13 December 2019. Collection method: clinical testing. Allele origin: germline.
Comment: This variant was observed in the ICSL laboratory as part of a predisposition screen in an ostensibly healthy population. It had not been previously curated by ICSL or reported in the Human Gene Mutation Database (HGMD: prior to June 1st, 2018), and was therefore a candidate for classification through an automated scoring system. Utilizing variant allele frequency, disease prevalence and penetrance estimates, and inheritance mode, an automated score was calculated to assess if this variant is too frequent to cause the disease. Based on the score and internal cut-off values, a variant classified as benign is not then subjected to further curation. The score for this variant resulted in a classification of benign for this disease.

Illumina Laboratory Services, Illumina
Classification: Benign for Autosomal dominant familial hematuria-retinal arteriolar tortuosity-contractures syndrome. Last evaluated: 2018-01-13. Review status: criteria provided, single submitter. Criteria: ICSL Variant Classification Criteria 13 December 2019. Collection method: clinical testing. Allele origin: germline.
Comment: the same text as in the submission from Illumina Laboratory Services, Illumina above.

Athena Diagnostics
Classification: Benign for Brain small vessel disease 1 with or without ocular anomalies. Last evaluated: 2017-06-01. Review status: criteria provided, single submitter. Criteria: Athena Diagnostics Criteria. Collection method: clinical testing. Allele origin: germline.

Breakthrough Genomics
Classification: Benign. Review status: criteria provided, single submitter. Criteria: ACMG Guidelines, 2015. Collection method: not provided. Allele origin: germline. Inheritance: Autosomal dominant inheritance. Affected: yes.

PreventionGenetics, part of Exact Sciences
Classification: Benign. Review status: criteria provided, single submitter. Criteria: ACMG Guidelines, 2015. Collection method: clinical testing. Allele origin: germline.

Clinical Genetics DNA and cytogenetics Diagnostics Lab, Erasmus MC, Erasmus Medical Center
Classification: Likely benign. Review status: no assertion criteria provided. Collection method: clinical testing. Allele origin: germline. Affected: yes. Study: VKGL Data-share Consensus. Not counted in ClinVar's aggregate classification.

Laboratory of Diagnostic Genome Analysis, Leiden University Medical Center (LUMC)
Classification: Benign. Review status: no assertion criteria provided. Collection method: clinical testing. Allele origin: germline. Affected: yes. Study: VKGL Data-share Consensus. Not counted in ClinVar's aggregate classification.

Literature cited by the submitters: PubMed 21527998 (cited by Athena Diagnostics).